The following is an entry in ClinVar:

ClinVar aggregate classification (germline): Uncertain significance. Review status: criteria provided, multiple submitters, no conflicts (2 of 4 stars). 2 submissions from 2 submitters: Uncertain significance (2). Last evaluated 2025-04-21.

Conditions:
Hereditary cancer-predisposing syndrome. Also called: Neoplastic Syndromes, Hereditary; Tumor predisposition; Hereditary Cancer Syndrome; Hereditary neoplastic syndrome. Identifiers: Orphanet 140162, MedGen C0027672, MeSH D009386, MONDO:0015356.
Ataxia-telangiectasia syndrome (AT). Also called: LOUIS-BAR SYNDROME; Cerebello-oculocutaneous telangiectasia; Immunodeficiency with ataxia telangiectasia; Ataxia telangiectasia (A-T); Ataxia-telangiectasia, complementation group D; AT, COMPLEMENTATION GROUP C. Identifiers: Orphanet 100, MedGen C0004135, MONDO:0008840, OMIM 208900.

Submissions (2):

Ambry Genetics
Classification: Uncertain significance for Hereditary cancer-predisposing syndrome. Last evaluated: 2025-04-21. Review status: criteria provided, single submitter. Criteria: Ambry Variant Classification Scheme 2023. Collection method: clinical testing. Allele origin: germline.
Comment: The p.M2532V variant (also known as c.7594A>G), located in coding exon 50 of the ATM gene, results from an A to G substitution at nucleotide position 7594. The methionine at codon 2532 is replaced by valine, an amino acid with highly similar properties. This amino acid position is poorly conserved in available vertebrate species. In addition, this alteration is predicted to be tolerated by in silico analysis. Since supporting evidence is limited at this time, the clinical significance of this alteration remains unclear.

Labcorp Genetics (formerly Invitae), Labcorp
Classification: Uncertain significance for Ataxia-telangiectasia syndrome. Last evaluated: 2021-01-05. Review status: criteria provided, single submitter. Criteria: Invitae Variant Classification Sherloc (09022015). Collection method: clinical testing. Allele origin: germline.
Comment: In summary, the available evidence is currently insufficient to determine the role of this variant in disease. Therefore, it has been classified as a Variant of Uncertain Significance. Algorithms developed to predict the effect of sequence changes on RNA splicing suggest that this variant may create or strengthen a splice site, but this prediction has not been confirmed by published transcriptional studies. Advanced modeling of protein sequence and biophysical properties (such as structural, functional, and spatial information, amino acid conservation, physicochemical variation, residue mobility, and thermodynamic stability) performed at Invitae indicates that this missense variant is not expected to disrupt ATM protein function. This variant has not been reported in the literature in individuals with ATM-related conditions. This variant is not present in population databases (ExAC no frequency). This sequence change replaces methionine with valine at codon 2532 of the ATM protein (p.Met2532Val). The methionine residue is moderately conserved and there is a small physicochemical difference between methionine and valine.

NM_000051.4(ATM):c.7594A>G (p.Met2532Val)

Genes: ATM (ATM serine/threonine kinase; plus strand), C11orf65 (chromosome 11 open reading frame 65; minus strand). Cytogenetic location: 11q22.3.
Variant type: single nucleotide variant.
Coding change: c.7594A>G on transcript NM_000051.4 (MANE Select); coding-DNA position 7594, A replaced by G.
Protein change: p.Met2532Val; replaces methionine 2532 with valine.
Molecular consequence: missense variant. On other transcripts: non-coding transcript variant (1), intron variant (2).
Genome position (GRCh38, 1-based): chr11:108,331,522, A>G. VCF-style: chr11-108331522-A-G. GRCh37 (hg19) VCF-style: chr11-108202249-A-G.
Other names: c.7594A>G, p.Met2532Val (NM_001351834.2); c.641-22451T>C (NM_001330368.2); c.*38+3698T>C (NM_001351110.2); short protein forms M2532V.
Identifiers: ClinVar variation 1463985 (VCV001463985.11), dbSNP rs2136496697, ClinGen allele CA382560799.